The following is an entry in ClinVar:

NM_006005.3(WFS1):c.1185C>G (p.Val395=)

Gene: WFS1 (wolframin ER transmembrane glycoprotein; plus strand). Cytogenetic location: 4p16.1.
Variant type: single nucleotide variant.
Coding change: c.1185C>G on transcript NM_006005.3 (MANE Select); coding-DNA position 1185, C replaced by G.
Protein change: p.Val395=; no amino-acid change (valine 395 retained).
Molecular consequence: synonymous variant.
Genome position (GRCh38, 1-based): chr4:6,300,980, C>G. VCF-style: chr4-6300980-C-G. GRCh37 (hg19) VCF-style: chr4-6302707-C-G.
Other names: c.1185C>G, p.Val395= (NM_001145853.1).
Identifiers: ClinVar variation 667061 (VCV000667061.4), dbSNP rs1801206, ClinGen allele CA91796232.

ClinVar aggregate classification (germline): Benign (1 of 4 stars; one submission).

Submission:

Laboratory for Molecular Medicine, Mass General Brigham Personalized Medicine
Classification: Benign. Last evaluated: 2012-04-30. Review status: criteria provided, single submitter. Criteria: LMM Criteria. Collection method: clinical testing. Allele origin: germline. Observed: 1 variant allele.
Comment: Val395Val in Exon 08 of WFS1: This variant is not expected to have clinical sign ificance because it does not alter an amino acid residue, is not located within the splice consensus sequence, and has been identified in 50.0% (49/98) of chrom osomes from a population in the dbSNP database (ects/SNP; rs1801206).